The following is an entry in ClinVar:

ClinVar aggregate classification (germline): Benign. Review status: criteria provided, multiple submitters, no conflicts (2 of 4 stars). 5 submissions from 5 submitters: Benign (5). Last evaluated 2024-07-15.

Conditions:
Neuronal ceroid lipofuscinosis 10 (CLN10). Also called: NEURONAL CEROID LIPOFUSCINOSIS DUE TO CATHEPSIN D DEFICIENCY; CTSD-Related Neuronal Ceroid-Lipofuscinosis. Identifiers: Orphanet 228337, MedGen C1864669, MONDO:0012414, OMIM 610127.

Allele frequency attached by ClinVar (database versions not stated): 1000 Genomes Project 30x 0.19847; 1000 Genomes Project 0.20048; gnomAD 0.21384; TOPMed 0.22547; gnomAD exomes 0.26544.
gnomAD v4.1: 417,477 of 1,592,086 alleles (26%); highest among the groups gnomAD compares: Middle Eastern, 42%; 57,265 homozygotes.

Submissions (5):

Unidad de Genómica Garrahan, Hospital de Pediatría Garrahan
Classification: Benign. Last evaluated: 2024-07-15. Review status: criteria provided, single submitter. Criteria: ACMG Guidelines, 2015. Collection method: clinical testing. Allele origin: germline. Affected: no. Observed: 25 variant alleles.
Comment: This variant is classified as Benign based on local population frequency. This variant was detected in 27% of patients studied in a panel designed for Epileptic and Developmental Encephalopathy and Progressive Myoclonus Epilepsy. Number of patients: 25. Only high quality variants are reported.

Genome-Nilou Lab
Classification: Benign for Neuronal ceroid lipofuscinosis 10. Last evaluated: 2021-07-14. Review status: criteria provided, single submitter. Criteria: ACMG Guidelines, 2015. Collection method: clinical testing. Allele origin: germline. Affected: no.

GeneDx
Classification: Benign. Last evaluated: 2018-06-14. Review status: criteria provided, single submitter. Criteria: GeneDx Variant Classification Process June 2021. Collection method: clinical testing. Allele origin: germline. Affected: yes.

Illumina Laboratory Services, Illumina
Classification: Benign for Neuronal ceroid lipofuscinosis 10. Last evaluated: 2018-01-12. Review status: criteria provided, single submitter. Criteria: ICSL Variant Classification Criteria 13 December 2019. Collection method: clinical testing. Allele origin: germline.
Comment: This variant was observed in the ICSL laboratory as part of a predisposition screen in an ostensibly healthy population. It had not been previously curated by ICSL or reported in the Human Gene Mutation Database (HGMD: prior to June 1st, 2018), and was therefore a candidate for classification through an automated scoring system. Utilizing variant allele frequency, disease prevalence and penetrance estimates, and inheritance mode, an automated score was calculated to assess if this variant is too frequent to cause the disease. Based on the score and internal cut-off values, a variant classified as benign is not then subjected to further curation. The score for this variant resulted in a classification of benign for this disease.

Breakthrough Genomics
Classification: Benign. Review status: criteria provided, single submitter. Criteria: ACMG Guidelines, 2015. Collection method: not provided. Allele origin: germline. Inheritance: Autosomal recessive inheritance. Affected: yes.

NM_001909.5(CTSD):c.*67A>G

Gene: CTSD (cathepsin D; minus strand). Cytogenetic location: 11p15.5.
Variant type: single nucleotide variant.
Coding change: c.*67A>G on transcript NM_001909.5 (MANE Select); 67 bases downstream of the stop codon, A replaced by G.
Molecular consequence: 3 prime UTR variant.
Genome position (GRCh38, 1-based): chr11:1,753,436, T>C on the plus strand (A>G on the coding strand, the complement: CTSD is on the minus strand). VCF-style: chr11-1753436-T-C. GRCh37 (hg19) VCF-style: chr11-1774666-T-C.
Identifiers: ClinVar variation 303831 (VCV000303831.14), dbSNP rs12214, ClinGen allele CA10630488.